The following is an entry in ClinVar:

ClinVar aggregate classification (germline): Uncertain significance. Review status: criteria provided, multiple submitters, no conflicts (2 of 4 stars). 3 submissions from 3 submitters: Uncertain significance (3). Last evaluated 2025-03-01.

Conditions:
Inborn genetic diseases. Identifiers: MedGen C0950123, MeSH D030342.
Jeune thoracic dystrophy. Also called: Short-rib thoracic dysplasia; Jeune syndrome; Infantile thoracic dystrophy; Thoracic pelvic phalangeal dystrophy; Jeune's syndrome; Chondroectodermal dysplasia-like syndrome. Identifiers: Orphanet 474, MedGen C0265275, MONDO:0018770.

Allele frequency attached by ClinVar (database versions not stated): ExAC 0.00001; gnomAD 0.00001; gnomAD exomes 0.00002; TOPMed 0.00003; ESP Exome Variant Server 0.00008.
gnomAD v4.1: 27 of 1,613,084 alleles (0.0017%); highest among the groups gnomAD compares: Middle Eastern, 0.017%; no homozygotes.

Submissions (3):

Ambry Genetics
Classification: Uncertain significance for Inborn genetic diseases. Last evaluated: 2025-03-01. Review status: criteria provided, single submitter. Criteria: Ambry Variant Classification Scheme 2023. Collection method: clinical testing. Allele origin: germline.

Labcorp Genetics (formerly Invitae), Labcorp
Classification: Uncertain significance for Jeune thoracic dystrophy. Last evaluated: 2022-07-18. Review status: criteria provided, single submitter. Criteria: Invitae Variant Classification Sherloc (09022015). Collection method: clinical testing. Allele origin: germline.
Comment: This sequence change replaces alanine, which is neutral and non-polar, with threonine, which is neutral and polar, at codon 717 of the IFT80 protein (p.Ala717Thr). This variant is present in population databases (rs370294182, gnomAD 0.004%). This variant has not been reported in the literature in individuals affected with IFT80-related conditions. ClinVar contains an entry for this variant (Variation ID: 220910). Algorithms developed to predict the effect of missense changes on protein structure and function (SIFT, PolyPhen-2, Align-GVGD) all suggest that this variant is likely to be tolerated. In summary, the available evidence is currently insufficient to determine the role of this variant in disease. Therefore, it has been classified as a Variant of Uncertain Significance.

Breakthrough Genomics
Classification: Uncertain significance. Review status: criteria provided, single submitter. Criteria: ACMG Guidelines, 2015. Collection method: not provided. Allele origin: germline. Inheritance: Autosomal recessive inheritance. Affected: yes.

NM_020800.3(IFT80):c.2149G>A (p.Ala717Thr)

Genes: TRIM59-IFT80 (TRIM59-IFT80 readthrough (NMD candidate); minus strand), IFT80 (intraflagellar transport 80; minus strand). Cytogenetic location: 3q25.33.
Variant type: single nucleotide variant.
Coding change: c.2149G>A on transcript NM_020800.3 (MANE Select); coding-DNA position 2149, G replaced by A.
Protein change: p.Ala717Thr; replaces alanine 717 with threonine.
Molecular consequence: missense variant. On other transcripts: non-coding transcript variant (3).
Genome position (GRCh38, 1-based): chr3:160,268,487, C>T on the plus strand (G>A on the coding strand, the complement: IFT80 is on the minus strand). VCF-style: chr3-160268487-C-T. GRCh37 (hg19) VCF-style: chr3-159986275-C-T.
Other names: c.1738G>A, p.Ala580Thr (NM_001190241.2, NM_001190242.2); short protein forms A717T, A580T.
Identifiers: ClinVar variation 220910 (VCV000220910.7), dbSNP rs370294182, ClinGen allele CA350555.